The following is an entry in ClinVar:

ClinVar aggregate classification (germline): Likely pathogenic (1 of 4 stars; one submission).

Conditions:
Retinitis pigmentosa (RP). Identifiers: Orphanet 791, MedGen C0035334, MeSH D012174, MONDO:0019200, OMIM 268000. Inheritance: Autosomal dominant, autosomal recessive and X linked inheritance.

Submission:

Broad Center for Mendelian Genomics, Broad Institute of MIT and Harvard
Classification: Likely pathogenic for Retinitis pigmentosa. Last evaluated: 2021-04-01. Review status: criteria provided, single submitter. Criteria: ACMG Guidelines, 2015. Collection method: curation. Allele origin: germline. Inheritance: Autosomal recessive inheritance. Affected: yes.
Comment: Through a review of available evidence we were able to apply the following criteria: PVS1, PM2. Based on this evidence we have classified this variant as Likely Pathogenic. If you have any questions about the classification please reach out to the Pierce Lab.

Literature cited by the submitters: PubMed 34906470.

NM_015102.5(NPHP4):c.770_777del (p.Glu257fs)

Gene: NPHP4 (nephrocystin 4; minus strand). Cytogenetic location: 1p36.31.
Variant type: Deletion.
Coding change: c.770_777del on transcript NM_015102.5 (MANE Select); coding-DNA positions 770 to 777, 8 bases deleted (AAGAGCTG; older notation c.770_777delAAGAGCTG).
Protein change: p.Glu257fs; shifts the reading frame from glutamic acid 257.
Molecular consequence: frameshift variant. On other transcripts: 5 prime UTR variant (1), non-coding transcript variant (1), intron variant (1).
Genome position (GRCh38, 1-based): chr1:5,952,733-5,952,740, CAGCTCTT deleted on the plus strand (AAGAGCTG on the coding strand, the reverse complement: NPHP4 is on the minus strand); deleting any 8 consecutive bases within chr1:5,952,733-5,952,741 gives the same sequence; the c. name uses the placement nearest the transcript's 3' end. VCF-style (leftmost placement, unchanged base first): chr1-5952732-GCAGCTCTT-G. GRCh37 (hg19) VCF-style: chr1-6012792-GCAGCTCTT-G.
Other names: c.-597_-590del (NM_001291594.2); c.-556-4489_-556-4482del (NM_001291593.2); short protein forms E257fs.
Identifiers: ClinVar variation 1297093 (VCV001297093.2), dbSNP rs2102003035, ClinGen allele CA2499214822.